The following is an entry in ClinVar:

ClinVar aggregate classification (germline): Likely pathogenic (1 of 4 stars; one submission).

Submission:

Labcorp Genetics (formerly Invitae), Labcorp
Classification: Likely pathogenic. Last evaluated: 2022-02-25. Review status: criteria provided, single submitter. Criteria: Invitae Variant Classification Sherloc (09022015). Collection method: clinical testing. Allele origin: germline.
Comment: In summary, the currently available evidence indicates that the variant is pathogenic, but additional data are needed to prove that conclusively. Therefore, this variant has been classified as Likely Pathogenic. Algorithms developed to predict the effect of sequence changes on RNA splicing suggest that this variant may disrupt the consensus splice site. ClinVar contains an entry for this variant (Variation ID: 960887). This variant is not present in population databases (gnomAD no frequency). This variant has not been reported in the literature in individuals affected with RGS9-related conditions. This sequence change affects a splice site in intron 13 of the RGS9 gene. It is expected to disrupt RNA splicing. Variants that disrupt the donor or acceptor splice site typically lead to a loss of protein function (PMID: 16199547), and loss-of-function variants in RGS9 are known to be pathogenic (PMID: 11262419, 14702087).

Literature cited by the submitters: PubMed 16199547; PubMed 11262419; PubMed 14702087.

NM_003835.4(RGS9):c.976+1_976+5del

Gene: RGS9 (regulator of G protein signaling 9; plus strand). Cytogenetic location: 17q24.1.
Variant type: Deletion.
Coding change: c.976+1_976+5del on transcript NM_003835.4 (MANE Select); the canonical splice donor site of the intron after coding-DNA position 976 through 5 bases into the intron after coding-DNA position 976, 5 bases deleted (GTGGG; older notation c.976+1_976+5delGTGGG).
Molecular consequence: splice donor variant.
Genome position (GRCh38, 1-based): chr17:65,197,242-65,197,246, GTGGG deleted; deleting any 5 consecutive bases within chr17:65,197,241-65,197,246 gives the same sequence; the c. name uses the placement nearest the transcript's 3' end. VCF-style (leftmost placement, unchanged base first): chr17-65197240-TGGTGG-T. GRCh37 (hg19) VCF-style: chr17-63193358-TGGTGG-T.
Other names: c.967+1_967+5del (NM_001081955.3, NM_001165933.2).
Identifiers: ClinVar variation 960887 (VCV000960887.7), dbSNP rs1912631466, ClinGen allele CA1139665839.